The following is an entry in ClinVar:

NM_024598.4(USB1):c.193del (p.Thr65fs)

Gene: USB1 (U6 snRNA biogenesis phosphodiesterase 1; plus strand). Cytogenetic location: 16q21.
Variant type: Deletion.
Coding change: c.193del on transcript NM_024598.4 (MANE Select); coding-DNA position 193, one base deleted (A; older notation c.193delA).
Protein change: p.Thr65fs; shifts the reading frame from threonine 65.
Molecular consequence: frameshift variant.
Genome position (GRCh38, 1-based): chr16:58,002,573, A deleted. VCF-style (leftmost placement, unchanged base first): chr16-58002572-CA-C. GRCh37 (hg19) VCF-style: chr16-58036476-CA-C.
Other names: c.193del, p.Thr65fs (NM_001195302.2, NM_001204911.2, NM_001330569.2); c.40del, p.Thr14fs (NM_001330568.2); short protein forms T14fs, T65fs.
Identifiers: ClinVar variation 4729837 (VCV004729837.1).

ClinVar aggregate classification (germline): Pathogenic (1 of 4 stars; one submission).

Submission:

Labcorp Genetics (formerly Invitae), Labcorp
Classification: Pathogenic. Last evaluated: 2026-01-02. Review status: criteria provided, single submitter. Criteria: Invitae Variant Classification Sherloc (09022015). Collection method: clinical testing. Allele origin: germline.
Comment: This sequence change creates a premature translational stop signal (p.Thr65Glnfs*50) in the USB1 gene. It is expected to result in an absent or disrupted protein product. Loss-of-function variants in USB1 are known to be pathogenic (PMID: 20817924, 25044170). This variant is not present in population databases (gnomAD no frequency). This variant has not been reported in the literature in individuals affected with USB1-related conditions. For these reasons, this variant has been classified as Pathogenic.

Literature cited by the submitters: PubMed 20817924; PubMed 25044170.